The following is an entry in ClinVar:

ClinVar aggregate classification (germline): Likely pathogenic. Review status: criteria provided, multiple submitters, no conflicts (2 of 4 stars). 2 submissions from 2 submitters: Likely pathogenic (2). Last evaluated 2026-06-04.

Conditions:
XPNPEP3-related disorder. Also called: XPNPEP3-related condition.
Nephronophthisis-like nephropathy 1 (NPHPL1). Identifiers: Orphanet 655, MedGen C3150419, MONDO:0013163, OMIM 613159.

gnomAD v4.1: 11 of 1,613,856 alleles (0.00068%); highest among the groups gnomAD compares: African/African-American, 0.011%; no homozygotes.

Submissions (2):

PreventionGenetics, part of Exact Sciences
Classification: Likely pathogenic for XPNPEP3-related condition. Last evaluated: 2026-06-04. Review status: criteria provided, single submitter. Criteria: ACMG Guidelines, 2015. Collection method: clinical testing. Allele origin: germline.
Comment: The XPNPEP3 c.760C>T variant is predicted to result in premature protein termination (p.Arg254*). To our knowledge this variant has not been reported in the literature. This variant is reported in 0.018% of alleles in individuals of African descent in gnomAD. Nonsense variants in XPNPEP3 are expected to be pathogenic. This variant is interpreted as likely pathogenic.

Fulgent Genetics
Classification: Likely pathogenic for Nephronophthisis-like nephropathy 1. Last evaluated: 2024-02-03. Review status: criteria provided, single submitter. Criteria: ACMG Guidelines, 2015. Collection method: clinical testing. Allele origin: germline.

NM_022098.4(XPNPEP3):c.760C>T (p.Arg254Ter)

Gene: XPNPEP3 (X-prolyl aminopeptidase 3; plus strand). Cytogenetic location: 22q13.2.
Variant type: single nucleotide variant.
Coding change: c.760C>T on transcript NM_022098.4 (MANE Select); coding-DNA position 760, C replaced by T.
Protein change: p.Arg254Ter; replaces arginine 254 with a stop codon.
Molecular consequence: nonsense.
Genome position (GRCh38, 1-based): chr22:40,886,483, C>T. VCF-style: chr22-40886483-C-T. GRCh37 (hg19) VCF-style: chr22-41282487-C-T.
Other names: c.760C>T (NM_022098.3); short protein forms R254*.
Identifiers: ClinVar variation 3588073 (VCV003588073.2).